The following is an entry in ClinVar:

NM_007194.4(CHEK2):c.305del (p.Gly102fs)

Gene: CHEK2 (checkpoint kinase 2; minus strand). Cytogenetic location: 22q12.1.
Variant type: Deletion.
Coding change: c.305del on transcript NM_007194.4 (MANE Select); coding-DNA position 305, one base deleted (G; older notation c.305delG).
Protein change: p.Gly102fs; shifts the reading frame from glycine 102.
Molecular consequence: frameshift variant.
Genome position (GRCh38, 1-based): chr22:28,734,417, C deleted on the plus strand (G on the coding strand, the reverse complement: CHEK2 is on the minus strand); the first of 2 consecutive C bases (chr22:28,734,417-28,734,418); deleting either gives the same sequence. VCF-style (leftmost placement, unchanged base first): chr22-28734416-TC-T. GRCh37 (hg19) VCF-style: chr22-29130404-TC-T.
Other names: c.304delG, p.Gly102Aspfs (NM_001005735.3, NM_001349956.3, NM_145862.3); c.-474delG (NM_001257387.3); short protein forms G102fs.
Identifiers: ClinVar variation 842063 (VCV000842063.9), dbSNP rs2054311111, ClinGen allele CA916083808.
Genomic context (GRCh38, chr22:28,734,416, plus strand): 5'-AGTGTTTTTCTGAACAAAACGTGATACTATACAACAAAGGGTCTTACCAAGATTGGCAAA[TC>T]CATCCTGAAGGGCCCATAATCGAGCCCAGGGGGCAGGGGTAGGCTCCTCAGGTTCTTGGT-3'

ClinVar aggregate classification (germline): Pathogenic (1 of 4 stars; one submission).

Conditions:
Familial cancer of breast. Also called: hereditary breast carcinoma; BREAST CANCER, FAMILIAL; Hereditary breast cancer. Identifiers: Orphanet 227535, MedGen C0346153, MONDO:0016419, OMIM 114480. Disease mechanism: loss of function.

Submission:

Labcorp Genetics (formerly Invitae), Labcorp
Classification: Pathogenic for Familial cancer of breast. Last evaluated: 2021-07-14. Review status: criteria provided, single submitter. Criteria: Invitae Variant Classification Sherloc (09022015). Collection method: clinical testing. Allele origin: germline.
Comment: This variant has not been reported in the literature in individuals with CHEK2-related conditions. ClinVar contains an entry for this variant (Variation ID: 842063). This variant is not present in population databases (ExAC no frequency). This sequence change creates a premature translational stop signal (p.Gly102Aspfs*8) in the CHEK2 gene. It is expected to result in an absent or disrupted protein product. Loss-of-function variants in CHEK2 are known to be pathogenic (PMID: 21876083, 24713400). For these reasons, this variant has been classified as Pathogenic.

Literature cited by the submitters: PubMed 21876083; PubMed 24713400.